The following is an entry in ClinVar:

NM_001171.6(ABCC6):c.595C>A (p.Gln199Lys)

Gene: ABCC6 (ATP binding cassette subfamily C member 6; minus strand). Cytogenetic location: 16p13.11.
Variant type: single nucleotide variant.
Coding change: c.595C>A on transcript NM_001171.6 (MANE Select); coding-DNA position 595, C replaced by A.
Protein change: p.Gln199Lys; replaces glutamine 199 with lysine.
Molecular consequence: missense variant. On other transcripts: non-coding transcript variant (1).
Genome position (GRCh38, 1-based): chr16:16,214,329, G>T on the plus strand (C>A on the coding strand, the complement: ABCC6 is on the minus strand). VCF-style: chr16-16214329-G-T. GRCh37 (hg19) VCF-style: chr16-16308186-G-T.
Other names: c.253C>A, p.Gln85Lys (NM_001351800.1); short protein forms Q199K, Q85K.
Identifiers: ClinVar variation 2571744 (VCV002571744.1), dbSNP rs1474063386, ClinGen allele CA394892018.

ClinVar aggregate classification (germline): Uncertain significance (1 of 4 stars; one submission).

Submission:

GeneDx
Classification: Uncertain significance. Last evaluated: 2023-01-08. Review status: criteria provided, single submitter. Criteria: GeneDx Variant Classification Process June 2021. Collection method: clinical testing. Allele origin: germline. Affected: yes.
Comment: Not observed at significant frequency in large population cohorts (gnomAD); In silico analysis supports that this missense variant does not alter protein structure/function; Has not been previously published as pathogenic or benign to our knowledge